The following is an entry in ClinVar:

NM_025193.4(HSD3B7):c.714C>T (p.His238=)

Gene: HSD3B7 (hydroxy-delta-5-steroid dehydrogenase, 3 beta- and steroid delta-isomerase 7; plus strand). Cytogenetic location: 16p11.2.
Variant type: single nucleotide variant.
Coding change: c.714C>T on transcript NM_025193.4 (MANE Select); coding-DNA position 714, C replaced by T.
Protein change: p.His238=; no amino-acid change (histidine 238 retained).
Molecular consequence: synonymous variant. On other transcripts: missense variant (2).
Genome position (GRCh38, 1-based): chr16:30,987,787, C>T. VCF-style: chr16-30987787-C-T. GRCh37 (hg19) VCF-style: chr16-30999108-C-T.
Other names: c.551C>T, p.Thr184Met (NM_001142777.2, NM_001142778.2); c.551C>T (NM_001142778.1); c.714C>T (NM_025193.3); short protein forms T184M.
Identifiers: ClinVar variation 593732 (VCV000593732.16), dbSNP rs147510106, ClinGen allele CA8018100.

ClinVar aggregate classification (germline): Conflicting classifications of pathogenicity. Review status: criteria provided, conflicting classifications (1 of 4 stars). 5 submissions from 5 submitters: Uncertain significance (2); Benign (1); Likely benign (1). 1 of the submissions does not count toward it. Last evaluated 2025-08-21.

Conditions:
Inborn genetic diseases. Identifiers: MedGen C0950123, MeSH D030342.
HSD3B7-related disorder. Also called: HSD3B7-related condition.
Congenital bile acid synthesis defect 1 (CBAS1). Also called: 3-BETA-HYDROXY-DELTA-5-C27-STEROID OXIDOREDUCTASE DEFICIENCY. Identifiers: Orphanet 79301, MedGen C1843116, MONDO:0011906, OMIM 607765.

Allele frequency attached by ClinVar (database versions not stated): gnomAD 0.00014; TOPMed 0.00015; ExAC 0.00023; gnomAD exomes 0.00025; ESP Exome Variant Server 0.00031.

Submissions (5):

Labcorp Genetics (formerly Invitae), Labcorp
Classification: Benign. Last evaluated: 2025-08-21. Review status: criteria provided, single submitter. Criteria: Invitae Variant Classification Sherloc (09022015). Collection method: clinical testing. Allele origin: germline.

Ambry Genetics
Classification: Likely benign for Inborn genetic diseases. Last evaluated: 2023-11-14. Review status: criteria provided, single submitter. Criteria: Ambry Variant Classification Scheme 2023. Collection method: clinical testing. Allele origin: germline.

Department of Pathology and Laboratory Medicine, Sinai Health System
Classification: Uncertain significance for Congenital bile acid synthesis defect 1. Last evaluated: 2021-09-11. Review status: criteria provided, single submitter. Criteria: ACMG Guidelines, 2015. Collection method: research. Allele origin: germline.

Eurofins Ntd Llc (ga)
Classification: Uncertain significance. Last evaluated: 2017-08-22. Review status: criteria provided, single submitter. Criteria: EGL Classification Definitions 2015. Collection method: clinical testing. Allele origin: germline. Observed: 2 variant alleles, 2 heterozygotes.

PreventionGenetics, part of Exact Sciences
Classification: Likely benign for HSD3B7-related condition. Last evaluated: 2022-02-07. Review status: no assertion criteria provided. Collection method: clinical testing. Allele origin: germline. Not counted in ClinVar's aggregate classification.
Comment: This variant is classified as likely benign based on ACMG/AMP sequence variant interpretation guidelines (Richards et al. 2015 PMID: 25741868, with internal and published modifications).